The following is an entry in ClinVar:

ClinVar aggregate classification (germline): Uncertain significance (1 of 4 stars; one submission).

Allele frequency attached by ClinVar (database versions not stated): ExAC 0.00001; gnomAD exomes 0.00001; gnomAD 0.00002 and 0.00003; TOPMed 0.00002.
gnomAD v4.1: 12 of 1,611,526 alleles (0.00074%); highest among the groups gnomAD compares: East Asian, 0.0067%; no homozygotes.

Submission:

Labcorp Genetics (formerly Invitae), Labcorp
Classification: Uncertain significance. Last evaluated: 2021-08-24. Review status: criteria provided, single submitter. Criteria: Invitae Variant Classification Sherloc (09022015). Collection method: clinical testing. Allele origin: germline.
Comment: This sequence change falls in intron 16 of the SBF1 gene. It does not directly change the encoded amino acid sequence of the SBF1 protein. It affects a nucleotide within the consensus splice site of the intron. This variant is present in population databases (rs752629761, ExAC 0.002%). This variant has not been reported in the literature in individuals affected with SBF1-related conditions. Variants that disrupt the consensus splice site are a relatively common cause of aberrant splicing (PMID: 17576681, 9536098). Algorithms developed to predict the effect of sequence changes on RNA splicing suggest that this variant is not likely to affect RNA splicing. In summary, the available evidence is currently insufficient to determine the role of this variant in disease. Therefore, it has been classified as a Variant of Uncertain Significance.

Literature cited by the submitters: PubMed 17576681; PubMed 9536098.

NM_002972.4(SBF1):c.1900-3C>T

Gene: SBF1 (SET binding factor 1; minus strand). Cytogenetic location: 22q13.33.
Variant type: single nucleotide variant.
Coding change: c.1900-3C>T on transcript NM_002972.4 (MANE Select); 3 bases into the intron before coding-DNA position 1900, C replaced by T.
Molecular consequence: intron variant.
Genome position (GRCh38, 1-based): chr22:50,462,941, G>A on the plus strand (C>T on the coding strand, the complement: SBF1 is on the minus strand). VCF-style: chr22-50462941-G-A. GRCh37 (hg19) VCF-style: chr22-50901370-G-A.
Other names: c.1903-3C>T (NM_001365819.1).
Identifiers: ClinVar variation 1437026 (VCV001437026.6), dbSNP rs752629761, ClinGen allele CA10317461.
Genomic context (GRCh38, chr22:50,462,941, plus strand): 5'-CTGTGACCAGAGGCAGCAGAGCCGCCGCAATGCCATGCTCGTCCAGAGAAGTGCAGTCCT[G>A]CAGGTAGAGCGAGAGACCGTCAGGACCTCTCCCCTCCCAGGCAGCACTCACCTCCCACCA-3'